The following is an entry in ClinVar:

NM_006785.4(MALT1):c.1868C>T (p.Pro623Leu)

Gene: MALT1 (MALT1 paracaspase; plus strand). Cytogenetic location: 18q21.32.
Variant type: single nucleotide variant.
Coding change: c.1868C>T on transcript NM_006785.4 (MANE Select); coding-DNA position 1868, C replaced by T.
Protein change: p.Pro623Leu; replaces proline 623 with leucine.
Molecular consequence: missense variant.
Genome position (GRCh38, 1-based): chr18:58,744,452, C>T. VCF-style: chr18-58744452-C-T. GRCh37 (hg19) VCF-style: chr18-56411684-C-T.
Other names: c.1835C>T, p.Pro612Leu (NM_173844.3); short protein forms P612L, P623L.
Identifiers: ClinVar variation 1698662 (VCV001698662.4), dbSNP rs1004957123, ClinGen allele CA300944291.
Genomic context (GRCh38, chr18:58,744,452, plus strand): 5'-GATTTGCAGCTGAGTTTTCCAATGTCATGATCATCTATACAAGTATAGTTTACAAACCAC[C>T]GGAGATAATAATGTGTGATGCCTACGTTACTGATTTTCCACTTGTGAGTCTCTTCTTTTA-3'
Protein context (NP_006776.1, residues 613-633): IIYTSIVYKP[Pro623Leu]EIIMCDAYVT

ClinVar aggregate classification (germline): Uncertain significance. Review status: criteria provided, multiple submitters, no conflicts (2 of 4 stars). 2 submissions from 2 submitters: Uncertain significance (2). Last evaluated 2026-02-01.

Conditions:
Combined immunodeficiency due to MALT1 deficiency. Also called: Immunodeficiency 12. Identifiers: Orphanet 397964, MedGen C3809583, MONDO:0014197, OMIM 615468.

Allele frequency attached by ClinVar (database versions not stated): gnomAD 0.00001; gnomAD exomes 0.00002; TOPMed 0.00003.

Submissions (2):

Labcorp Genetics (formerly Invitae), Labcorp
Classification: Uncertain significance for Combined immunodeficiency due to MALT1 deficiency. Last evaluated: 2026-02-01. Review status: criteria provided, single submitter. Criteria: Invitae Variant Classification Sherloc (09022015). Collection method: clinical testing. Allele origin: germline.
Comment: This sequence change replaces proline, which is neutral and non-polar, with leucine, which is neutral and non-polar, at codon 623 of the MALT1 protein (p.Pro623Leu). This variant is present in population databases (no rsID available, gnomAD 0.006%). This variant has not been reported in the literature in individuals affected with MALT1-related conditions. ClinVar contains an entry for this variant (Variation ID: 1698662). Invitae Evidence Modeling of protein sequence and biophysical properties (such as structural, functional, and spatial information, amino acid conservation, physicochemical variation, residue mobility, and thermodynamic stability) indicates that this missense variant is not expected to disrupt MALT1 protein function with a negative predictive value of 80%. In summary, the available evidence is currently insufficient to determine the role of this variant in disease. Therefore, it has been classified as a Variant of Uncertain Significance.

Women's Health and Genetics/Laboratory Corporation of America, LabCorp
Classification: Uncertain significance. Last evaluated: 2022-06-29. Review status: criteria provided, single submitter. Criteria: LabCorp Variant Classification Summary - May 2015. Collection method: clinical testing. Allele origin: germline.
Comment: Variant summary: MALT1 c.1868C>T (p.Pro623Leu) results in a non-conservative amino acid change located in the MALT1 immunoglobulin-like domain (IPR041077) of the encoded protein sequence. Three of five in-silico tools predict a benign effect of the variant on protein function. The variant allele was found at a frequency of 1.6e-05 in 247778 control chromosomes (gnomAD). The available data on variant occurrences in the general population are insufficient to allow any conclusion about variant significance. To our knowledge, no occurrence of c.1868C>T in individuals affected with Severe Combined Immunodeficiency and no experimental evidence demonstrating its impact on protein function have been reported. No clinical diagnostic laboratories have submitted clinical-significance assessments for this variant to ClinVar after 2014. Based on the evidence outlined above, the variant was classified as uncertain significance.